The following is an entry in ClinVar:

ClinVar aggregate classification (germline): Uncertain significance. Review status: criteria provided, single submitter (1 of 4 stars). 2 submissions from 2 submitters: Uncertain significance (1). 1 of the submissions does not count toward it. Last evaluated 2021-06-05.

Conditions:
Charcot-Marie-Tooth disease axonal type 2Q. Also called: CHARCOT-MARIE-TOOTH DISEASE, AXONAL, AUTOSOMAL DOMINANT, TYPE 2Q; CHARCOT-MARIE-TOOTH NEUROPATHY, TYPE 2Q. Identifiers: Orphanet 329258, MedGen C3554366, MONDO:0014012, OMIM 615025.
2-aminoadipic 2-oxoadipic aciduria (AAKAD). Also called: Aminoadipic aciduria; ALPHA-AMINOADIPIC AND ALPHA-KETOADIPIC ACIDURIA. Identifiers: Orphanet 79154, MedGen C1859817, MONDO:0008774, OMIM 204750.

Allele frequency attached by ClinVar (database versions not stated): gnomAD exomes below 0.00001.
gnomAD v4.1: 2 of 1,613,680 alleles (0.00012%); highest among the groups gnomAD compares: Non-Finnish European, 0.00017%; no homozygotes.

Submissions (2):

Labcorp Genetics (formerly Invitae), Labcorp
Classification: Uncertain significance for 2-aminoadipic 2-oxoadipic aciduria. Last evaluated: 2021-06-05. Review status: criteria provided, single submitter. Criteria: Invitae Variant Classification Sherloc (09022015). Collection method: clinical testing. Allele origin: germline.
Comment: In summary, the available evidence is currently insufficient to determine the role of this variant in disease. Therefore, it has been classified as a Variant of Uncertain Significance. This sequence change replaces alanine with serine at codon 704 of the DHTKD1 protein (p.Ala704Ser). The alanine residue is highly conserved and there is a moderate physicochemical difference between alanine and serine. This variant is not present in population databases (ExAC no frequency). This variant has not been reported in the literature in individuals with DHTKD1-related conditions. Algorithms developed to predict the effect of missense changes on protein structure and function are either unavailable or do not agree on the potential impact of this missense change (SIFT: "Tolerated"; PolyPhen-2: "Possibly Damaging"; Align-GVGD: "Class C0").

Next Generation Genetic Polyclinic
Classification: Uncertain significance for Charcot-Marie-Tooth disease axonal type 2Q. Review status: no assertion criteria provided. Collection method: clinical testing. Allele origin: de novo. Affected: yes. Not counted in ClinVar's aggregate classification.

NM_018706.7(DHTKD1):c.2110G>T (p.Ala704Ser)

Gene: DHTKD1 (dehydrogenase E1 and transketolase domain containing 1; plus strand). Cytogenetic location: 10p14.
Variant type: single nucleotide variant.
Coding change: c.2110G>T on transcript NM_018706.7 (MANE Select); coding-DNA position 2110, G replaced by T.
Protein change: p.Ala704Ser; replaces alanine 704 with serine.
Molecular consequence: missense variant.
Genome position (GRCh38, 1-based): chr10:12,107,971, G>T. VCF-style: chr10-12107971-G-T. GRCh37 (hg19) VCF-style: chr10-12149970-G-T.
Other names: short protein forms A704S.
Identifiers: ClinVar variation 1348742 (VCV001348742.9), dbSNP rs1354505166, ClinGen allele CA376012696.